The following is an entry in ClinVar:

ClinVar aggregate classification (germline): Uncertain significance. Review status: criteria provided, multiple submitters, no conflicts (2 of 4 stars). 2 submissions from 2 submitters: Uncertain significance (2). Last evaluated 2025-12-22.

Conditions:
Developmental and epileptic encephalopathy, 34 (DEE34). Also called: Early infantile epileptic encephalopathy 34; SLC12A5-Related Epilepsy of Infancy with Migrating Focal Seizures. Identifiers: Orphanet 293181, MedGen C4225257, MONDO:0014718, OMIM 616645.

Allele frequency attached by ClinVar (database versions not stated): gnomAD below 0.00001 and 0.00001; TOPMed below 0.00001; ExAC 0.00002; gnomAD exomes 0.00002; 1000 Genomes Project 30x 0.00016; 1000 Genomes Project 0.00020.
gnomAD v4.1: 30 of 1,594,900 alleles (0.0019%); highest among the groups gnomAD compares: South Asian, 0.014%; no homozygotes.

Submissions (2):

Ambry Genetics
Classification: Uncertain significance. Last evaluated: 2025-12-22. Review status: criteria provided, single submitter. Criteria: Ambry Variant Classification Scheme 2023. Collection method: clinical testing. Allele origin: germline.

Labcorp Genetics (formerly Invitae), Labcorp
Classification: Uncertain significance for Developmental and epileptic encephalopathy, 34. Last evaluated: 2025-09-02. Review status: criteria provided, single submitter. Criteria: Invitae Variant Classification Sherloc (09022015). Collection method: clinical testing. Allele origin: germline.
Comment: This sequence change replaces glutamic acid, which is acidic and polar, with lysine, which is basic and polar, at codon 889 of the SLC12A5 protein (p.Glu889Lys). This variant is present in population databases (rs565709821, gnomAD 0.007%). This variant has not been reported in the literature in individuals affected with SLC12A5-related conditions. ClinVar contains an entry for this variant (Variation ID: 651025). Invitae Evidence Modeling of protein sequence and biophysical properties (such as structural, functional, and spatial information, amino acid conservation, physicochemical variation, residue mobility, and thermodynamic stability) indicates that this missense variant is not expected to disrupt SLC12A5 protein function with a negative predictive value of 80%. In summary, the available evidence is currently insufficient to determine the role of this variant in disease. Therefore, it has been classified as a Variant of Uncertain Significance.

NM_020708.5(SLC12A5):c.2665G>A (p.Glu889Lys)

Gene: SLC12A5 (solute carrier family 12 member 5; plus strand). Cytogenetic location: 20q13.12.
Variant type: single nucleotide variant.
Coding change: c.2665G>A on transcript NM_020708.5 (MANE Select); coding-DNA position 2665, G replaced by A.
Protein change: p.Glu889Lys; replaces glutamic acid 889 with lysine.
Molecular consequence: missense variant.
Genome position (GRCh38, 1-based): chr20:46,053,695, G>A. VCF-style: chr20-46053695-G-A. GRCh37 (hg19) VCF-style: chr20-44682334-G-A.
Other names: c.2734G>A, p.Glu912Lys (NM_001134771.2); c.2734G>A (NM_001134771.1); short protein forms E912K, E889K.
Identifiers: ClinVar variation 651025 (VCV000651025.11), dbSNP rs565709821, ClinGen allele CA9887661.